The following is an entry in ClinVar:

NM_006031.6(PCNT):c.6444C>T (p.Asp2148=)

Gene: PCNT (pericentrin; plus strand). Cytogenetic location: 21q22.3.
Variant type: single nucleotide variant.
Coding change: c.6444C>T on transcript NM_006031.6 (MANE Select); coding-DNA position 6444, C replaced by T.
Protein change: p.Asp2148=; no amino-acid change (aspartic acid 2148 retained).
Molecular consequence: synonymous variant.
Genome position (GRCh38, 1-based): chr21:46,416,362, C>T. VCF-style: chr21-46416362-C-T. GRCh37 (hg19) VCF-style: chr21-47836276-C-T.
Other names: c.6444C>T (NM_006031.5); c.6090C>T, p.Asp2030= (NM_001315529.2).
Identifiers: ClinVar variation 3023028 (VCV003023028.5), dbSNP rs765864456, ClinGen allele CA10080333.

ClinVar aggregate classification (germline): Likely benign. Review status: criteria provided, single submitter (1 of 4 stars). 2 submissions from 2 submitters: Likely benign (1). 1 of the submissions does not count toward it. Last evaluated 2024-11-04.

Conditions:
PCNT-related disorder. Also called: PCNT-related condition.

Allele frequency attached by ClinVar (database versions not stated): TOPMed 0.00001; ExAC 0.00002.
gnomAD v4.1: 26 of 1,613,960 alleles (0.0016%); highest among the groups gnomAD compares: Admixed American, 0.015%; no homozygotes.

Submissions (2):

Labcorp Genetics (formerly Invitae), Labcorp
Classification: Likely benign. Last evaluated: 2024-11-04. Review status: criteria provided, single submitter. Criteria: Invitae Variant Classification Sherloc (09022015). Collection method: clinical testing. Allele origin: germline.

PreventionGenetics, part of Exact Sciences
Classification: Likely benign for PCNT-related condition. Last evaluated: 2021-08-18. Review status: no assertion criteria provided. Collection method: clinical testing. Allele origin: germline. Not counted in ClinVar's aggregate classification.
Comment: This variant is classified as likely benign based on ACMG/AMP sequence variant interpretation guidelines (Richards et al. 2015 PMID: 25741868, with internal and published modifications).